The following is an entry in ClinVar:

NM_198576.4(AGRN):c.5253+189G>A

Gene: AGRN (agrin; plus strand). Cytogenetic location: 1p36.33.
Variant type: single nucleotide variant.
Coding change: c.5253+189G>A on transcript NM_198576.4 (MANE Select); 189 bases into the intron after coding-DNA position 5253, G replaced by A.
Molecular consequence: intron variant.
Genome position (GRCh38, 1-based): chr1:1,051,026, G>A. VCF-style: chr1-1051026-G-A. GRCh37 (hg19) VCF-style: chr1-986406-G-A.
Other names: c.5254-6G>A (NM_001305275.2); c.4939-6G>A (NM_001364727.2).
Identifiers: ClinVar variation 3043479 (VCV003043479.2), dbSNP rs1258059557, ClinGen allele CA520668877.

ClinVar aggregate classification (germline): Likely benign (0 of 4 stars; one submission).

Conditions:
AGRN-related disorder. Also called: AGRN-related condition.

Allele frequency attached by ClinVar (database versions not stated): gnomAD exomes 0.00001.
gnomAD v4.1: 3 of 1,549,290 alleles (0.00019%); highest among the groups gnomAD compares: Admixed American, 0.0039%; no homozygotes.

Submission:

PreventionGenetics, part of Exact Sciences
Classification: Likely benign for AGRN-related condition. Last evaluated: 2019-07-02. Review status: no assertion criteria provided. Collection method: clinical testing. Allele origin: germline.
Comment: This variant is classified as likely benign based on ACMG/AMP sequence variant interpretation guidelines (Richards et al. 2015 PMID: 25741868, with internal and published modifications).